The following is an entry in ClinVar:

NM_201384.3(PLEC):c.1877C>T (p.Thr626Ile)

Gene: PLEC (plectin; minus strand). Cytogenetic location: 8q24.3.
Variant type: single nucleotide variant.
Coding change: c.1877C>T on transcript NM_201384.3 (MANE Select); coding-DNA position 1877, C replaced by T.
Protein change: p.Thr626Ile; replaces threonine 626 with isoleucine.
Molecular consequence: missense variant.
Genome position (GRCh38, 1-based): chr8:143,932,500, G>A on the plus strand (C>T on the coding strand, the complement: PLEC is on the minus strand). VCF-style: chr8-143932500-G-A. GRCh37 (hg19) VCF-style: chr8-145006668-G-A.
Other names: c.1958C>T, p.Thr653Ile (NM_000445.5); c.1835C>T, p.Thr612Ile (NM_201378.4); c.1811C>T, p.Thr604Ile (NM_201379.3); c.2288C>T, p.Thr763Ile (NM_201380.4); c.1781C>T, p.Thr594Ile (NM_201381.3); c.1877C>T, p.Thr626Ile (NM_201382.4); c.1889C>T, p.Thr630Ile (NM_201383.3); short protein forms T763I, T612I, T626I, T653I, T594I, T604I, T630I.
Identifiers: ClinVar variation 864535 (VCV000864535.7), dbSNP rs1827643640, ClinGen allele CA372578406.
Genomic context (GRCh38, chr8:143,932,500, plus strand): 5'-TCGCTCCAGTCGAAGCCCACCTCCTCCTCCTCCTTCTCATTCAGCCACATTAGCTCCTTA[G>A]TGGCGGCTGCCACAAAGCTGTGCAAGCTCTCCAGGGACCTGAGGCGGGCCTTGGAGGAGT-3'
Protein context (NP_958786.1, residues 616-636): ESLHSFVAAA[Thr626Ile]KELMWLNEKE

ClinVar aggregate classification (germline): Uncertain significance (1 of 4 stars; one submission).

Conditions:
Epidermolysis bullosa simplex 5B, with muscular dystrophy (EBS5B). Also called: EPIDERMOLYSIS BULLOSA SIMPLEX AND LIMB-GIRDLE MUSCULAR DYSTROPHY; Epidermolysis bullosa simplex with muscular dystrophy. Identifiers: Orphanet 257, MedGen C2931072, MONDO:0009181, OMIM 226670.
Epidermolysis bullosa simplex, Ogna type (EBS5A). Also called: Pidermolysis bullosa simplex 5A, Ogna type; EPIDERMOLYSIS BULLOSA SIMPLEX 5A, OGNA TYPE. Identifiers: Orphanet 79401, MedGen C0432317, MONDO:0007555, OMIM 131950.
Epidermolysis bullosa simplex 5C, with pyloric atresia (EBS5C). Also called: PLEC1-Related Epidermolysis Bullosa with Pyloric Atresia; PLEC-Related Epidermolysis Bullosa with Pyloric Atresia; Epidermolysis bullosa simplex with pyloric atresia. Identifiers: Orphanet 158684, MedGen C2677349, MONDO:0012807, OMIM 612138.
Autosomal recessive limb-girdle muscular dystrophy type 2Q (LGMDR17). Also called: MUSCULAR DYSTROPHY, LIMB-GIRDLE, AUTOSOMAL RECESSIVE 17. Identifiers: Orphanet 254361, MedGen C3150989, MONDO:0013390, OMIM 613723.
Epidermolysis bullosa simplex with nail dystrophy (EBS5D). Identifiers: MedGen C4225309, MONDO:0014661, OMIM 616487.

Submission:

Labcorp Genetics (formerly Invitae), Labcorp
Classification: Uncertain significance for Autosomal recessive limb-girdle muscular dystrophy type 2Q; Epidermolysis bullosa simplex, Ogna type; Epidermolysis bullosa simplex with nail dystrophy; Epidermolysis bullosa simplex 5C, with pyloric atresia; Epidermolysis bullosa simplex 5B, with muscular dystrophy. Last evaluated: 2019-02-01. Review status: criteria provided, single submitter. Criteria: Invitae Variant Classification Sherloc (09022015). Collection method: clinical testing. Allele origin: germline.
Comment: In summary, the available evidence is currently insufficient to determine the role of this variant in disease. Therefore, it has been classified as a Variant of Uncertain Significance. Algorithms developed to predict the effect of missense changes on protein structure and function are either unavailable or do not agree on the potential impact of this missense change (SIFT: "Deleterious"; PolyPhen-2: "Not Available"; Align-GVGD: "Class C65"). This variant has not been reported in the literature in individuals with PLEC-related conditions. This variant is not present in population databases (ExAC no frequency). This sequence change replaces threonine with isoleucine at codon 653 of the PLEC protein (p.Thr653Ile). The threonine residue is highly conserved and there is a moderate physicochemical difference between threonine and isoleucine.